The following is an entry in ClinVar:

ClinVar aggregate classification (germline): Uncertain significance (1 of 4 stars; one submission).

Conditions:
Charcot-Marie-Tooth Neuropathy X. Identifiers: MedGen CN118851.

Allele frequency attached by ClinVar (database versions not stated): gnomAD exomes below 0.00001.
gnomAD v4.1: 1 of 1,205,869 alleles (0.000083%); highest among the groups gnomAD compares: Non-Finnish European, 0.00011%; no homozygotes.

Submission:

Labcorp Genetics (formerly Invitae), Labcorp
Classification: Uncertain significance for Charcot-Marie-Tooth Neuropathy X. Last evaluated: 2024-09-06. Review status: criteria provided, single submitter. Criteria: Invitae Variant Classification Sherloc (09022015). Collection method: clinical testing. Allele origin: germline.
Comment: This sequence change replaces threonine, which is neutral and polar, with proline, which is neutral and non-polar, at codon 176 of the GJB1 protein (p.Thr176Pro). This variant is not present in population databases (gnomAD no frequency). This variant has not been reported in the literature in individuals affected with GJB1-related conditions. ClinVar contains an entry for this variant (Variation ID: 2138607). Invitae Evidence Modeling of protein sequence and biophysical properties (such as structural, functional, and spatial information, amino acid conservation, physicochemical variation, residue mobility, and thermodynamic stability) indicates that this missense variant is not expected to disrupt GJB1 protein function with a negative predictive value of 80%. In summary, the available evidence is currently insufficient to determine the role of this variant in disease. Therefore, it has been classified as a Variant of Uncertain Significance.

NM_000166.6(GJB1):c.526A>C (p.Thr176Pro)

Gene: GJB1 (gap junction protein beta 1; plus strand). Cytogenetic location: Xq13.1.
Variant type: single nucleotide variant.
Coding change: c.526A>C on transcript NM_000166.6 (MANE Select); coding-DNA position 526, A replaced by C.
Protein change: p.Thr176Pro; replaces threonine 176 with proline.
Molecular consequence: missense variant.
Genome position (GRCh38, 1-based): chrX:71,224,233, A>C. VCF-style: chrX-71224233-A-C. GRCh37 (hg19) VCF-style: chrX-70444083-A-C.
Other names: c.526A>C, p.Thr176Pro (NM_001097642.3); short protein forms T176P.
Identifiers: ClinVar variation 2138607 (VCV002138607.4), dbSNP rs2519798722, ClinGen allele CA413502986.
Genomic context (GRCh38, chrX:71,224,233, plus strand): 5'-CTCTACCCTGGCTATGCCATGGTGCGGCTGGTCAAGTGCGACGTCTACCCCTGCCCCAAC[A>C]CAGTGGACTGCTTCGTGTCCCGCCCCACCGAGAAAACCGTCTTCACCGTCTTCATGCTAG-3'
Protein context (NP_000157.1, residues 166-186): VKCDVYPCPN[Thr176Pro]VDCFVSRPTE